The following is an entry in ClinVar:

NM_000548.5(TSC2):c.4849+5_4849+32del

Gene: TSC2 (TSC complex subunit 2; plus strand). Cytogenetic location: 16p13.3.
Variant type: Deletion.
Coding change: c.4849+5_4849+32del on transcript NM_000548.5 (MANE Select); bases 5 to 32 of the intron after coding-DNA position 4849, 28 bases deleted (GGCCTGGCGCCTACCCGCTCCTGCTGCC).
Molecular consequence: intron variant.
Genome position (GRCh38, 1-based): chr16:2,086,384-2,086,411, GGCCTGGCGCCTACCCGCTCCTGCTGCC deleted; deleting any 28 consecutive bases within chr16:2,086,383-2,086,411 gives the same sequence; the c. name uses the placement nearest the transcript's 3' end. VCF-style (leftmost placement, unchanged base first): chr16-2086382-ACGGCCTGGCGCCTACCCGCTCCTGCTGC-A. GRCh37 (hg19) VCF-style: chr16-2136383-ACGGCCTGGCGCCTACCCGCTCCTGCTGC-A.
Other names: c.4849+5_4849+32del28 (NM_000548.3); c.4780+5_4780+32del (NM_001114382.3); c.4720+5_4720+32del (NM_021055.3, NM_001370405.1); c.4651+5_4651+32del (NM_001363528.2); c.4717+5_4717+32del (NM_001370404.1); c.4648+5_4648+32del (NM_001077183.3); c.4540+5_4540+32del (NM_001318827.2); c.4117+5_4117+32del (NM_001318831.2); and 2 more.
Identifiers: ClinVar variation 1970032 (VCV001970032.8), dbSNP rs2544382718, ClinGen allele CA2580091069.

ClinVar aggregate classification (germline): Uncertain significance. Review status: criteria provided, multiple submitters, no conflicts (2 of 4 stars). 4 submissions from 4 submitters: Uncertain significance (4). Last evaluated 2025-10-09.

Conditions:
Tuberous sclerosis syndrome (TSC). Also called: Tuberous sclerosis; Tuberous Sclerosis Complex. Identifiers: Orphanet 805, MedGen C0041341, MONDO:0001734.
Tuberous sclerosis 2 (TSC2). Identifiers: Orphanet 805, MedGen C1860707, MONDO:0013199, OMIM 613254.
Hereditary cancer-predisposing syndrome. Also called: Hereditary neoplastic syndrome; Neoplastic Syndromes, Hereditary; Tumor predisposition; Hereditary Cancer Syndrome. Identifiers: Orphanet 140162, MedGen C0027672, MeSH D009386, MONDO:0015356.

Submissions (4):

Labcorp Genetics (formerly Invitae), Labcorp
Classification: Uncertain significance for Tuberous sclerosis 2. Last evaluated: 2025-10-09. Review status: criteria provided, single submitter. Criteria: Invitae Variant Classification Sherloc (09022015). Collection method: clinical testing. Allele origin: germline.
Comment: This sequence change falls in intron 37 of the TSC2 gene. It does not directly change the encoded amino acid sequence of the TSC2 protein. It affects a nucleotide within the consensus splice site. This variant is not present in population databases (gnomAD no frequency). This variant has not been reported in the literature in individuals affected with TSC2-related conditions. ClinVar contains an entry for this variant (Variation ID: 1970032). Variants that disrupt the consensus splice site are a relatively common cause of aberrant splicing (PMID: 17576681, 9536098). In summary, the available evidence is currently insufficient to determine the role of this variant in disease. Therefore, it has been classified as a Variant of Uncertain Significance.

GeneDx
Classification: Uncertain significance. Last evaluated: 2023-12-11. Review status: criteria provided, single submitter. Criteria: GeneDx Variant Classification Process June 2021. Collection method: clinical testing. Allele origin: germline. Affected: yes.
Comment: Not observed at significant frequency in large population cohorts (gnomAD); In silico analysis supports that this variant does not alter splicing; Has not been previously published as pathogenic or benign to our knowledge

All of Us Research Program, National Institutes of Health
Classification: Uncertain significance for Tuberous sclerosis syndrome. Last evaluated: 2023-11-20. Review status: criteria provided, single submitter. Criteria: ACMG Guidelines, 2015. Collection method: clinical testing. Allele origin: germline. Inheritance: Autosomal dominant inheritance. Observed: 1 variant allele, 1 heterozygote.
Comment: This variant deletes 28 nucleotides in intron 37 of the TSC2 gene. Splice site prediction tools predict that this variant may impact on RNA splicingTo our knowledge, functional studies have not been reported for this variant. This variant has not been reported in individuals affected with TSC2-related disorders in the literature. This variant has not been identified in the general population by the Genome Aggregation Database (gnomAD). The available evidence is insufficient to determine the role of this variant in disease conclusively. Therefore, this variant is classified as a Variant of Uncertain Significance.

This study involves interpretation of variants in research participants for the purpose of population health screening. Participant phenotype was not available at the time of variant classification. Additional details can be found in publication PMID: 35346344, PMCID: PMC8962531

Ambry Genetics
Classification: Uncertain significance for Hereditary cancer-predisposing syndrome. Last evaluated: 2023-11-01. Review status: criteria provided, single submitter. Criteria: Ambry Variant Classification Scheme 2023. Collection method: clinical testing. Allele origin: germline.
Comment: The c.4849+5_4849+32del28 intronic variant, located in intron 36 of the TSC2 gene, results from a deletion of 28 nucleotides within intron 36 of the TSC2 gene. The nucleotide positions in this region are well conserved in available vertebrate species on limited alignment. In silico splice site analysis predicts that this alteration will not have any significant effect on splicing; however, direct evidence is insufficient at this time (Ambry internal data). Since supporting evidence is limited at this time, the clinical significance of this alteration remains unclear.

Literature cited by the submitters: PubMed 17576681 (cited by Labcorp Genetics (formerly Invitae), Labcorp); PubMed 9536098 (cited by Labcorp Genetics (formerly Invitae), Labcorp).